The following is an entry in ClinVar:

ClinVar aggregate classification (germline): Uncertain significance (1 of 4 stars; one submission).

Conditions:
Cardiovascular phenotype. Identifiers: MedGen CN230736.

Submission:

Ambry Genetics
Classification: Uncertain significance for Cardiovascular phenotype. Last evaluated: 2025-04-12. Review status: criteria provided, single submitter. Criteria: Ambry Variant Classification Scheme 2023. Collection method: clinical testing. Allele origin: germline.
Comment: The p.P2769S variant (also known as c.8305C>T), located in coding exon 38 of the ANK2 gene, results from a C to T substitution at nucleotide position 8305. The proline at codon 2769 is replaced by serine, an amino acid with similar properties. This amino acid position is conserved. In addition, this alteration is predicted to be tolerated by in silico analysis. Based on the available evidence, the clinical significance of this variant remains unclear.

NM_001148.6(ANK2):c.8305C>T (p.Pro2769Ser)

Gene: ANK2 (ankyrin 2; plus strand). Cytogenetic location: 4q26.
Variant type: single nucleotide variant.
Coding change: c.8305C>T on transcript NM_001148.6 (MANE Select); coding-DNA position 8305, C replaced by T.
Protein change: p.Pro2769Ser; replaces proline 2769 with serine.
Molecular consequence: missense variant. On other transcripts: intron variant (68).
Genome position (GRCh38, 1-based): chr4:113,356,923, C>T. VCF-style: chr4-113356923-C-T. GRCh37 (hg19) VCF-style: chr4-114278079-C-T.
Other names: c.8071C>T, p.Pro2691Ser (NM_001386142.1); c.4705C>T, p.Pro1569Ser (NM_001386166.1); c.8446C>T, p.Pro2816Ser (NM_001386174.1); c.8422C>T, p.Pro2808Ser (NM_001386175.1); c.4412-3900C>T (NM_001386186.2, NM_001386148.2); c.4214-3900C>T (NM_001354269.3); c.4292-3900C>T (NM_001386187.2); c.4253-3900C>T (NM_001386147.1); and 35 more; short protein forms P2769S, P2808S, P2816S, P2691S, P1569S.
Identifiers: ClinVar variation 4050912 (VCV004050912.1).